The following is an entry in ClinVar:

NM_015164.4(PLEKHM2):c.454G>A (p.Glu152Lys)

Gene: PLEKHM2 (pleckstrin homology and RUN domain containing M2; plus strand). Cytogenetic location: 1p36.21.
Variant type: single nucleotide variant.
Coding change: c.454G>A on transcript NM_015164.4 (MANE Select); coding-DNA position 454, G replaced by A.
Protein change: p.Glu152Lys; replaces glutamic acid 152 with lysine.
Molecular consequence: missense variant.
Genome position (GRCh38, 1-based): chr1:15,718,614, G>A. VCF-style: chr1-15718614-G-A. GRCh37 (hg19) VCF-style: chr1-16045109-G-A.
Other names: c.454G>A, p.Glu152Lys (NM_001410755.1); short protein forms E152K.
Identifiers: ClinVar variation 3703468 (VCV003703468.2).

ClinVar aggregate classification (germline): Uncertain significance (1 of 4 stars; one submission).

gnomAD v4.1: 10 of 1,549,518 alleles (0.00065%); highest among the groups gnomAD compares: South Asian, 0.0035%; no homozygotes.

Submission:

Labcorp Genetics (formerly Invitae), Labcorp
Classification: Uncertain significance. Last evaluated: 2025-01-31. Review status: criteria provided, single submitter. Criteria: Invitae Variant Classification Sherloc (09022015). Collection method: clinical testing. Allele origin: germline.
Comment: This sequence change replaces glutamic acid, which is acidic and polar, with lysine, which is basic and polar, at codon 152 of the PLEKHM2 protein (p.Glu152Lys). The frequency data for this variant in the population databases is considered unreliable, as metrics indicate poor data quality at this position in the gnomAD database. This variant has not been reported in the literature in individuals affected with PLEKHM2-related conditions. An algorithm developed to predict the effect of missense changes on protein structure and function (PolyPhen-2) suggests that this variant is likely to be tolerated. In summary, the available evidence is currently insufficient to determine the role of this variant in disease. Therefore, it has been classified as a Variant of Uncertain Significance.